The following is an entry in ClinVar:

ClinVar aggregate classification (germline): Uncertain significance. Review status: criteria provided, multiple submitters, no conflicts (2 of 4 stars). 2 submissions from 2 submitters: Uncertain significance (2). Last evaluated 2026-04-02.

Conditions:
Hereditary cancer-predisposing syndrome. Also called: Tumor predisposition; Hereditary neoplastic syndrome; Neoplastic Syndromes, Hereditary; Hereditary Cancer Syndrome. Identifiers: Orphanet 140162, MedGen C0027672, MeSH D009386, MONDO:0015356.
Gorlin syndrome. Also called: Nevoid Basal Cell Carcinoma Syndrome; Basal cell nevus syndrome. Identifiers: Orphanet 377, MedGen C0004779, MONDO:0007187.

Submissions (2):

Ambry Genetics
Classification: Uncertain significance for Hereditary cancer-predisposing syndrome. Last evaluated: 2026-04-02. Review status: criteria provided, single submitter. Criteria: Ambry Variant Classification Scheme 2023. Collection method: clinical testing. Allele origin: germline.
Comment: The p.V771A variant (also known as c.2312T>C), located in coding exon 15 of the PTCH1 gene, results from a T to C substitution at nucleotide position 2312. The valine at codon 771 is replaced by alanine, an amino acid with similar properties. This amino acid position is highly conserved in available vertebrate species. In addition, this alteration is predicted to be deleterious by in silico analysis. Based on the available evidence, the clinical significance of this variant remains unclear.

Labcorp Genetics (formerly Invitae), Labcorp
Classification: Uncertain significance for Gorlin syndrome. Last evaluated: 2023-11-11. Review status: criteria provided, single submitter. Criteria: Invitae Variant Classification Sherloc (09022015). Collection method: clinical testing. Allele origin: germline.
Comment: This sequence change replaces valine, which is neutral and non-polar, with alanine, which is neutral and non-polar, at codon 771 of the PTCH1 protein (p.Val771Ala). This variant is not present in population databases (gnomAD no frequency). This variant has not been reported in the literature in individuals affected with PTCH1-related conditions. Advanced modeling of protein sequence and biophysical properties (such as structural, functional, and spatial information, amino acid conservation, physicochemical variation, residue mobility, and thermodynamic stability) performed at Invitae indicates that this missense variant is not expected to disrupt PTCH1 protein function with a negative predictive value of 95%. In summary, the available evidence is currently insufficient to determine the role of this variant in disease. Therefore, it has been classified as a Variant of Uncertain Significance.

NM_000264.5(PTCH1):c.2312T>C (p.Val771Ala)

Genes: PTCH1 (patched 1; minus strand), LOC100507346 (uncharacterized LOC100507346; plus strand). Cytogenetic location: 9q22.32.
Variant type: single nucleotide variant.
Coding change: c.2312T>C on transcript NM_000264.5 (MANE Select); coding-DNA position 2312, T replaced by C.
Protein change: p.Val771Ala; replaces valine 771 with alanine.
Molecular consequence: missense variant. On other transcripts: non-coding transcript variant (1).
Genome position (GRCh38, 1-based): chr9:95,467,364, A>G on the plus strand (T>C on the coding strand, the complement: PTCH1 is on the minus strand). VCF-style: chr9-95467364-A-G. GRCh37 (hg19) VCF-style: chr9-98229646-A-G.
Other names: c.1859T>C, p.Val620Ala (NM_001083604.3, NM_001083605.3, NM_001083606.3 and 1 more transcripts); c.2156T>C, p.Val719Ala (NM_001354918.2); c.2114T>C, p.Val705Ala (NM_001083602.3); c.2309T>C, p.Val770Ala (NM_001083603.3); short protein forms V620A, V705A, V771A, V719A, V770A.
Identifiers: ClinVar variation 2695026 (VCV002695026.4), dbSNP rs2117971880, ClinGen allele CA374114630.